The following is an entry in ClinVar:

ClinVar aggregate classification (germline): Uncertain significance (1 of 4 stars; one submission).

Conditions:
Dyskeratosis congenita, autosomal recessive 6 (DKCB6). Identifiers: MedGen C4225356, MONDO:0014600, OMIM 616353.
Pulmonary fibrosis and/or bone marrow failure, Telomere-related, 4. Also called: PULMONARY FIBROSIS AND/OR BONE MARROW FAILURE SYNDROME, TELOMERE-RELATED, 4. Identifiers: Orphanet 2032, MedGen C4225347, MONDO:0014612, OMIM 616371.

Allele frequency attached by ClinVar (database versions not stated): gnomAD 0.00001; TOPMed 0.00002.
gnomAD v4.1: 2 of 1,570,778 alleles (0.00013%); highest among the groups gnomAD compares: Admixed American, 0.0033%; no homozygotes.

Submission:

Labcorp Genetics (formerly Invitae), Labcorp
Classification: Uncertain significance for Dyskeratosis congenita, autosomal recessive 6; Pulmonary fibrosis and/or bone marrow failure, Telomere-related, 4. Last evaluated: 2022-06-27. Review status: criteria provided, single submitter. Criteria: Invitae Variant Classification Sherloc (09022015). Collection method: clinical testing. Allele origin: germline.
Comment: In summary, the available evidence is currently insufficient to determine the role of this variant in disease. Therefore, it has been classified as a Variant of Uncertain Significance. Variants that disrupt the consensus splice site are a relatively common cause of aberrant splicing (PMID: 17576681, 9536098). Algorithms developed to predict the effect of sequence changes on RNA splicing suggest that this variant is not likely to affect RNA splicing. This variant has not been reported in the literature in individuals affected with PARN-related conditions. This variant is not present in population databases (gnomAD no frequency). This sequence change falls in intron 18 of the PARN gene. It does not directly change the encoded amino acid sequence of the PARN protein. It affects a nucleotide within the consensus splice site.

Literature cited by the submitters: PubMed 17576681; PubMed 9536098.

NM_002582.4(PARN):c.1262+6T>C

Gene: PARN (poly(A)-specific ribonuclease; minus strand). Cytogenetic location: 16p13.12.
Variant type: single nucleotide variant.
Coding change: c.1262+6T>C on transcript NM_002582.4 (MANE Select); 6 bases into the intron after coding-DNA position 1262, T replaced by C.
Molecular consequence: intron variant.
Genome position (GRCh38, 1-based): chr16:14,580,868, A>G on the plus strand (T>C on the coding strand, the complement: PARN is on the minus strand). VCF-style: chr16-14580868-A-G. GRCh37 (hg19) VCF-style: chr16-14674725-A-G.
Other names: c.1079+6T>C (NM_001134477.3); c.1124+6T>C (NM_001242992.2).
Identifiers: ClinVar variation 1388582 (VCV001388582.6), dbSNP rs1382552508, ClinGen allele CA718371423.
Genomic context (GRCh38, chr16:14,580,868, plus strand): 5'-CATCCCAAGATATGAGGCTGTTCCACAGTGAGAGAACTTGGAAACTGGAACTCTCTGATT[A>G]CTTACTTGTTAAAAAAAGGTTCAATGAGTTTTGATCTGGCAGACACATGAATTTTTGGAG-3'